The following is an entry in ClinVar:

ClinVar aggregate classification (germline): Benign/Likely benign. Review status: criteria provided, multiple submitters, no conflicts (2 of 4 stars). 2 submissions from 2 submitters: Benign (1); Likely benign (1). Last evaluated 2026-03-02.

Conditions:
Severe X-linked myotubular myopathy (CNMX). Also called: MYOTUBULAR MYOPATHY 1; X-linked centronuclear myopathy; Myotubular myopathy, X-linked. Identifiers: Orphanet 596, MedGen C0410203, MONDO:0010683, OMIM 310400.

Submissions (2):

Women's Health and Genetics/Laboratory Corporation of America, LabCorp
Classification: Likely benign. Last evaluated: 2026-03-02. Review status: criteria provided, single submitter. Criteria: LabCorp Variant Classification Summary - May 2015. Collection method: clinical testing. Allele origin: germline.
Comment: Variant summary: MTM1 c.1354-7delT alters a nucleotide located at a position not widely known to affect splicing. Consensus agreement among computation tools predict no significant impact on normal splicing. However, these predictions have yet to be confirmed by functional studies. The variant allele was found at a frequency of 2.8e-05 in 178917 control chromosomes. The available data on variant occurrences in the general population are insufficient to allow any conclusion about variant significance. To our knowledge, no occurrence of c.1354-7delT in individuals affected with MTM1-related conditions and no experimental evidence demonstrating its impact on protein function have been reported. ClinVar contains an entry for this variant (Variation ID: 1611776). Based on the evidence outlined above, the variant was classified as likely benign.

Labcorp Genetics (formerly Invitae), Labcorp
Classification: Benign for Severe X-linked myotubular myopathy. Last evaluated: 2021-10-18. Review status: criteria provided, single submitter. Criteria: Invitae Variant Classification Sherloc (09022015). Collection method: clinical testing. Allele origin: germline.

NM_000252.3(MTM1):c.1354-7del

Gene: MTM1 (myotubularin 1; plus strand). Cytogenetic location: Xq28.
Variant type: Deletion.
Coding change: c.1354-7del on transcript NM_000252.3 (MANE Select); 7 bases into the intron before coding-DNA position 1354, one base deleted (T; older notation c.1354-7delT).
Molecular consequence: intron variant.
Genome position (GRCh38, 1-based): chrX:150,660,364, T deleted; the last of 5 consecutive T bases (chrX:150,660,360-150,660,364); deleting any one gives the same sequence. VCF-style (leftmost placement, unchanged base first): chrX-150660359-GT-G. GRCh37 (hg19) VCF-style: chrX-149828832-GT-G.
Other names: c.1354-7delT (NM_000252.3); c.1354-7del (NM_001376908.1, NM_001376906.1); c.1243-7del (NM_001376907.1).
Identifiers: ClinVar variation 1611776 (VCV001611776.9), dbSNP rs782326353, ClinGen allele CA10539250.